The following is an entry in ClinVar:

NM_001429.4(EP300):c.3049A>C (p.Thr1017Pro)

Genes: EP300 (EP300 lysine acetyltransferase; plus strand), LOC126863158 (BRD4-independent group 4 enhancer GRCh37_chr22:41547383-41548582; plus strand). Cytogenetic location: 22q13.2.
Variant type: single nucleotide variant.
Coding change: c.3049A>C on transcript NM_001429.4 (MANE Select); coding-DNA position 3049, A replaced by C.
Protein change: p.Thr1017Pro; replaces threonine 1017 with proline.
Molecular consequence: missense variant.
Genome position (GRCh38, 1-based): chr22:41,152,257, A>C. VCF-style: chr22-41152257-A-C. GRCh37 (hg19) VCF-style: chr22-41548261-A-C.
Other names: c.2971A>C, p.Thr991Pro (NM_001362843.2); short protein forms T1017P, T991P.
Identifiers: ClinVar variation 4993925 (VCV004993925.1).

ClinVar aggregate classification (germline): Uncertain significance (1 of 4 stars; one submission).

Conditions:
EP300-related disorder. Also called: EP300-related condition; EP300-related disorders.

Submission:

PreventionGenetics, part of Exact Sciences
Classification: Uncertain significance for EP300-related condition. Last evaluated: 2026-08-31. Review status: criteria provided, single submitter. Criteria: ACMG Guidelines, 2015. Collection method: clinical testing. Allele origin: germline.
Comment: The EP300 c.3049A>C variant is predicted to result in the amino acid substitution p.Thr1017Pro. To our knowledge, this variant has not been reported in the literature or in a large population database (gnomAD), indicating this variant is rare. At this time, the clinical significance of this variant is uncertain due to the absence of conclusive functional and genetic evidence.